The following is an entry in ClinVar:

ClinVar aggregate classification (germline): Uncertain significance/Uncertain risk allele. Review status: criteria provided, multiple submitters, no conflicts (2 of 4 stars). 2 submissions from 2 submitters: Uncertain significance (1); Uncertain risk allele (1). Last evaluated 2018-01-13.

Conditions:
Maturity-onset diabetes of the young (MODY). Also called: Maturity onset diabetes mellitus in young. Identifiers: Orphanet 552, MedGen C0342276, MONDO:0018911, HP:0004904.
Maturity-onset diabetes of the young type 3. Also called: MODY type 3; MODY, type III. Identifiers: Orphanet 552, MedGen C1838100, MeSH C563933, MONDO:0010894, OMIM 600496. Disease mechanism: loss of function.

Allele frequency attached by ClinVar (database versions not stated): ExAC 0.00001; gnomAD 0.00001; gnomAD exomes 0.00001 and 0.00002; TOPMed 0.00002; ESP Exome Variant Server 0.00008.

Submissions (2):

Illumina Laboratory Services, Illumina
Classification: Uncertain significance for Maturity-onset diabetes of the young type 3. Last evaluated: 2018-01-13. Review status: criteria provided, single submitter. Criteria: ICSL Variant Classification Criteria 13 December 2019. Collection method: clinical testing. Allele origin: germline.

Clinical Genomics, Uppaluri K&H Personalized Medicine Clinic
Classification: Uncertain risk allele for Maturity-onset diabetes of the young. Review status: criteria provided, single submitter. Criteria: K & H Uppaluri Personalized Medicine Clinic Variant Classification & Assertion Criteria_Updated V.1. Collection method: research. Allele origin: unknown. Inheritance: Autosomal dominant inheritance.
Comment: Mutations in HNF1A gene can predispose to MODY3. It is associated with both micro and macrovascular complications of diabetes, especially cardiovascular complications. Associated with glucosuria. May respond well to sulfonylureas. However, more evidence is required to confer the association of this particular variant rs147198532 with MODY3.

Literature cited by the submitters: PubMed 31517624 (cited by Clinical Genomics, Uppaluri K&H Personalized Medicine Clinic); PubMed 32395877 (cited by Clinical Genomics, Uppaluri K&H Personalized Medicine Clinic); PubMed 35328643 (cited by Clinical Genomics, Uppaluri K&H Personalized Medicine Clinic); PubMed 35673428 (cited by Clinical Genomics, Uppaluri K&H Personalized Medicine Clinic).

NM_000545.8(HNF1A):c.1533G>A (p.Gln511=)

Gene: HNF1A (HNF1 homeobox A; plus strand). Cytogenetic location: 12q24.31.
Variant type: single nucleotide variant.
Coding change: c.1533G>A on transcript NM_000545.8 (MANE Select); coding-DNA position 1533, G replaced by A.
Protein change: p.Gln511=; no amino-acid change (glutamine 511 retained).
Molecular consequence: synonymous variant.
Genome position (GRCh38, 1-based): chr12:120,999,299, G>A. VCF-style: chr12-120999299-G-A. GRCh37 (hg19) VCF-style: chr12-121437102-G-A.
Other names: c.1533G>A, p.Gln511= (NM_001306179.2).
Identifiers: ClinVar variation 882253 (VCV000882253.5), dbSNP rs147198532, ClinGen allele CA6832100.